The following is an entry in ClinVar:

ClinVar aggregate classification (germline): Benign. Review status: criteria provided, single submitter (1 of 4 stars). 2 submissions from 2 submitters: Benign (1). 1 of the submissions does not count toward it. Last evaluated 2018-05-29.

Conditions:
CSMD3-related disorder. Also called: CSMD3-related condition.

Allele frequency attached by ClinVar (database versions not stated): ExAC 0.00108; gnomAD 0.00358 and 0.00386; ESP Exome Variant Server 0.00361; TOPMed 0.00419; 1000 Genomes Project 0.00479; 1000 Genomes Project 30x 0.00484.
gnomAD v4.1: 1,014 of 1,610,916 alleles (0.063%); highest among the groups gnomAD compares: African/African-American, 1.2%; 2 homozygotes.

Submissions (2):

Labcorp Genetics (formerly Invitae), Labcorp
Classification: Benign. Last evaluated: 2018-05-29. Review status: criteria provided, single submitter. Criteria: Invitae Variant Classification Sherloc (09022015). Collection method: clinical testing. Allele origin: germline.

PreventionGenetics, part of Exact Sciences
Classification: Benign for CSMD3-related condition. Last evaluated: 2019-06-13. Review status: no assertion criteria provided. Collection method: clinical testing. Allele origin: germline. Not counted in ClinVar's aggregate classification.
Comment: This variant is classified as benign based on ACMG/AMP sequence variant interpretation guidelines (Richards et al. 2015 PMID: 25741868, with internal and published modifications).

NM_198123.2(CSMD3):c.4437T>G (p.Asp1479Glu)

Gene: CSMD3 (CUB and Sushi multiple domains 3; minus strand). Cytogenetic location: 8q23.3.
Variant type: single nucleotide variant.
Coding change: c.4437T>G on transcript NM_198123.2 (MANE Select); coding-DNA position 4437, T replaced by G.
Protein change: p.Asp1479Glu; replaces aspartic acid 1479 with glutamic acid.
Molecular consequence: missense variant.
Genome position (GRCh38, 1-based): chr8:112,550,798, A>C on the plus strand (T>G on the coding strand, the complement: CSMD3 is on the minus strand). VCF-style: chr8-112550798-A-C. GRCh37 (hg19) VCF-style: chr8-113563027-A-C.
Other names: c.4047T>G, p.Asp1349Glu (NM_001363185.1); c.4125T>G, p.Asp1375Glu (NM_052900.3); c.4317T>G, p.Asp1439Glu (NM_198124.2); short protein forms D1349E, D1479E, D1439E, D1375E.
Identifiers: ClinVar variation 743642 (VCV000743642.5), dbSNP rs141130465, ClinGen allele CA4850151.